The following is an entry in ClinVar:

ClinVar aggregate classification (germline): Uncertain significance (1 of 4 stars; one submission).

Conditions:
Hereditary spastic paraplegia 39 (SPG39). Also called: Spastic Paraplegia Type 39 (SPG39); SPASTIC PARAPLEGIA 39, AUTOSOMAL RECESSIVE. Identifiers: Orphanet 139480, MedGen C2677586, MONDO:0012787, OMIM 612020.

Submission:

Labcorp Genetics (formerly Invitae), Labcorp
Classification: Uncertain significance for Hereditary spastic paraplegia 39. Last evaluated: 2020-10-07. Review status: criteria provided, single submitter. Criteria: Invitae Variant Classification Sherloc (09022015). Collection method: clinical testing. Allele origin: germline.
Comment: This variant is not present in population databases (ExAC no frequency). This sequence change replaces arginine with glutamine at codon 274 of the PNPLA6 protein (p.Arg274Gln). The arginine residue is highly conserved and there is a small physicochemical difference between arginine and glutamine. This variant has not been reported in the literature in individuals with PNPLA6-related conditions. Algorithms developed to predict the effect of missense changes on protein structure and function are either unavailable or do not agree on the potential impact of this missense change (SIFT: "Deleterious"; PolyPhen-2: "Probably Damaging"; Align-GVGD: "Class C0"). Algorithms developed to predict the effect of sequence changes on RNA splicing suggest that this variant may create or strengthen a splice site, but this prediction has not been confirmed by published transcriptional studies. In summary, the available evidence is currently insufficient to determine the role of this variant in disease. Therefore, it has been classified as a Variant of Uncertain Significance.

NM_001166114.2(PNPLA6):c.938G>A (p.Arg313Gln)

Gene: PNPLA6 (patatin like domain 6, lysophospholipase; plus strand). Cytogenetic location: 19p13.2.
Variant type: single nucleotide variant.
Coding change: c.938G>A on transcript NM_001166114.2 (MANE Select); coding-DNA position 938, G replaced by A.
Protein change: p.Arg313Gln; replaces arginine 313 with glutamine.
Molecular consequence: missense variant.
Genome position (GRCh38, 1-based): chr19:7,541,367, G>A. VCF-style: chr19-7541367-G-A. GRCh37 (hg19) VCF-style: chr19-7606253-G-A.
Other names: c.965G>A, p.Arg322Gln (NM_001166111.2); c.821G>A, p.Arg274Gln (NM_001166112.2, NM_001166113.1, NM_006702.5); short protein forms R274Q, R313Q, R322Q.
Identifiers: ClinVar variation 1007558 (VCV001007558.8), dbSNP rs2023131773, ClinGen allele CA403107692.